The following is an entry in ClinVar:

NM_031443.4(CCM2):c.428_430del (p.Ser143del)

Gene: CCM2 (CCM2 scaffold protein; plus strand). Cytogenetic location: 7p13.
Variant type: Deletion.
Coding change: c.428_430del on transcript NM_031443.4 (MANE Select); coding-DNA positions 428 to 430, 3 bases deleted (CCT; older notation c.428_430delCCT).
Protein change: p.Ser143del; deletes serine 143.
Molecular consequence: inframe deletion. On other transcripts: non-coding transcript variant (1).
Genome position (GRCh38, 1-based): chr7:45,064,602-45,064,604, CCT deleted; deleting any 3 consecutive bases within chr7:45,064,600-45,064,604 gives the same sequence; the c. name uses the placement nearest the transcript's 3' end. VCF-style (leftmost placement, unchanged base first): chr7-45064599-TCTC-T. GRCh37 (hg19) VCF-style: chr7-45104198-TCTC-T.
Other names: c.428_430delCCT (NM_031443.3); c.491_493del, p.Ser164del (NM_001029835.2); c.254_256del, p.Ser85del (NM_001167934.2, NM_001363459.2); c.428_430del, p.Ser143del (NM_001167935.2, NM_001363458.2); short protein forms S164del, S143del, S85del.
Identifiers: ClinVar variation 575300 (VCV000575300.7), dbSNP rs1562907973, ClinGen allele CA891842533.

ClinVar aggregate classification (germline): Uncertain significance (1 of 4 stars; one submission).

Conditions:
Cerebral cavernous malformation 2. Also called: Familial Cerebral Cavernous Malformation 2. Identifiers: Orphanet 221061, MedGen C1864041, MONDO:0011304, OMIM 603284.

Submission:

Labcorp Genetics (formerly Invitae), Labcorp
Classification: Uncertain significance for Cerebral cavernous malformation 2. Last evaluated: 2018-01-24. Review status: criteria provided, single submitter. Criteria: Invitae Variant Classification Sherloc (09022015). Collection method: clinical testing. Allele origin: germline.
Comment: In summary, the available evidence is currently insufficient to determine the role of this variant in disease. Therefore, it has been classified as a Variant of Uncertain Significance. Experimental studies and prediction algorithms are not available for this variant, and the functional significance of the deleted amino acid is currently unknown. This variant has not been reported in the literature in individuals with CCM2-related disease. This variant is not present in population databases (ExAC no frequency). This variant, c.428_430delCCT, results in the deletion of 1 amino acid of the CCM2 protein (p.Ser143del), but otherwise preserves the integrity of the reading frame.